The following is an entry in ClinVar:

NM_000383.4(AIRE):c.949dup (p.Ala317fs)

Gene: AIRE (autoimmune regulator; plus strand). Cytogenetic location: 21q22.3.
Variant type: Duplication.
Coding change: c.949dup on transcript NM_000383.4 (MANE Select); coding-DNA position 949, one base duplicated (G; older notation c.949dupG).
Protein change: p.Ala317fs; shifts the reading frame from alanine 317.
Molecular consequence: frameshift variant.
Genome position (GRCh38, 1-based): chr21:44,291,164, G duplicated; the last of 3 consecutive G bases (chr21:44,291,162-44,291,164); duplicating any one gives the same sequence. VCF-style (leftmost placement, unchanged base first): chr21-44291161-C-CG. GRCh37 (hg19) VCF-style: chr21-45711044-C-CG.
Other names: short protein forms A317fs.
Identifiers: ClinVar variation 5011968 (VCV005011968.1).
Genomic context (GRCh38, chr21:44,291,161, plus strand): 5'-GAGGACGAGTGTGCCGTGTGTCGGGACGGCGGGGAGCTCATCTGCTGTGACGGCTGCCCT[C>CG]GGGCCTTCCACCTGGCCTGCCTGTCCCCTCCGCTCCGGGAGATCCCCAGGTGAGCCTGCA-3'

ClinVar aggregate classification (germline): Pathogenic (1 of 4 stars; one submission).

Conditions:
Polyglandular autoimmune syndrome, type 1 (APS1). Also called: Whitaker syndrome; Autoimmune polyendocrinopathy syndrome, type I; Autoimmune polyendocrine syndrome type 1; AUTOIMMUNE POLYENDOCRINE SYNDROME, TYPE I, WITH OR WITHOUT REVERSIBLE METAPHYSEAL DYSPLASIA; APS I; HYPOADRENOCORTICISM WITH HYPOPARATHYROIDISM AND SUPERFICIAL MONILIASIS. Identifiers: Orphanet 3453, MedGen C0085859, MONDO:0009411, OMIM 240300.

Submission:

Myriad Genetics, Inc.
Classification: Pathogenic for Polyglandular autoimmune syndrome, type 1. Last evaluated: 2023-09-27. Review status: criteria provided, single submitter. Criteria: Myriad Autosomal Dominant, Autosomal Recessive and X-Linked Classification Criteria (2023). Collection method: clinical testing. Allele origin: unknown.
Comment: NM_000383.3(AIRE):c.949dupG(A317Gfs*55) is expected to be pathogenic in the context of autoimmune polyglandular syndrome type 1. This variant is predicted to lead to an abnormal or absent protein product due to the creation of a premature termination codon in AIRE, a gene where loss-of-function variants are known to be pathogenic. Please note: this variant was assessed in the context of healthy population screening.